The following is an entry in ClinVar:

ClinVar aggregate classification (germline): Uncertain significance (1 of 4 stars; one submission).

Conditions:
Cardiovascular phenotype. Identifiers: MedGen CN230736.

Allele frequency attached by ClinVar (database versions not stated): gnomAD exomes below 0.00001.
gnomAD v4.1: 1 of 1,613,980 alleles (0.000062%); highest among the groups gnomAD compares: African/African-American, 0.0013%; no homozygotes.

Submission:

Ambry Genetics
Classification: Uncertain significance for Cardiovascular phenotype. Last evaluated: 2022-10-03. Review status: criteria provided, single submitter. Criteria: Ambry Variant Classification Scheme 2023. Collection method: clinical testing. Allele origin: germline.
Comment: The p.K48E variant (also known as c.142A>G), located in coding exon 2 of the TBX20 gene, results from an A to G substitution at nucleotide position 142. The lysine at codon 48 is replaced by glutamic acid, an amino acid with similar properties. This amino acid position is conserved. In addition, the in silico prediction for this alteration is inconclusive. Since supporting evidence is limited at this time, the clinical significance of this alteration remains unclear.

NM_001077653.2(TBX20):c.142A>G (p.Lys48Glu)

Gene: TBX20 (T-box transcription factor 20; minus strand). Cytogenetic location: 7p14.2.
Variant type: single nucleotide variant.
Coding change: c.142A>G on transcript NM_001077653.2 (MANE Select); coding-DNA position 142, A replaced by G.
Protein change: p.Lys48Glu; replaces lysine 48 with glutamic acid.
Molecular consequence: missense variant.
Genome position (GRCh38, 1-based): chr7:35,250,189, T>C on the plus strand (A>G on the coding strand, the complement: TBX20 is on the minus strand). VCF-style: chr7-35250189-T-C. GRCh37 (hg19) VCF-style: chr7-35289801-T-C.
Other names: c.142A>G, p.Lys48Glu (NM_001166220.1); short protein forms K48E.
Identifiers: ClinVar variation 1772457 (VCV001772457.2), dbSNP rs2546997540, ClinGen allele CA367265399.